The following is an entry in ClinVar:

ClinVar aggregate classification (germline): Uncertain significance (1 of 4 stars; one submission).

Submission:

GeneDx
Classification: Uncertain significance. Last evaluated: 2023-06-16. Review status: criteria provided, single submitter. Criteria: GeneDx Variant Classification Process June 2021. Collection method: clinical testing. Allele origin: germline. Affected: yes.
Comment: Not observed at significant frequency in large population cohorts (gnomAD); In silico analysis supports that this missense variant does not alter protein structure/function; Has not been previously published as pathogenic or benign to our knowledge

NM_000193.4(SHH):c.835G>A (p.Asp279Asn)

Gene: SHH (sonic hedgehog signaling molecule; minus strand). Cytogenetic location: 7q36.3.
Variant type: single nucleotide variant.
Coding change: c.835G>A on transcript NM_000193.4 (MANE Select); coding-DNA position 835, G replaced by A.
Protein change: p.Asp279Asn; replaces aspartic acid 279 with asparagine.
Molecular consequence: missense variant. On other transcripts: intron variant (1).
Genome position (GRCh38, 1-based): chr7:155,803,454, C>T on the plus strand (G>A on the coding strand, the complement: SHH is on the minus strand). VCF-style: chr7-155803454-C-T. GRCh37 (hg19) VCF-style: chr7-155596148-C-T.
Other names: c.301+2842G>A (NM_001310462.2); short protein forms D279N.
Identifiers: ClinVar variation 3360010 (VCV003360010.1).